The following is an entry in ClinVar:

NM_173467.5(MCAT):c.681G>A (p.Val227=)

Gene: MCAT (malonyl-CoA-acyl carrier protein transacylase; minus strand). Cytogenetic location: 22q13.2.
Variant type: single nucleotide variant.
Coding change: c.681G>A on transcript NM_173467.5 (MANE Select); coding-DNA position 681, G replaced by A.
Protein change: p.Val227=; no amino-acid change (valine 227 retained).
Molecular consequence: synonymous variant. On other transcripts: intron variant (1).
Genome position (GRCh38, 1-based): chr22:43,137,129, C>T on the plus strand (G>A on the coding strand, the complement: MCAT is on the minus strand). VCF-style: chr22-43137129-C-T. GRCh37 (hg19) VCF-style: chr22-43533135-C-T.
Other names: c.512-3643G>A (NM_014507.3).
Identifiers: ClinVar variation 4981447 (VCV004981447.1).

ClinVar aggregate classification (germline): Likely benign (1 of 4 stars; one submission).

Conditions:
MCAT-related condition.

gnomAD v4.1: 2,774 of 1,614,180 alleles (0.17%); highest among the groups gnomAD compares: Non-Finnish European, 0.22%; 5 homozygotes.

Submission:

PreventionGenetics, part of Exact Sciences
Classification: Likely benign for MCAT-related condition. Last evaluated: 2026-06-15. Review status: criteria provided, single submitter. Criteria: ACMG Guidelines, 2015. Collection method: clinical testing. Allele origin: germline.
Comment: This variant is classified as likely benign based on ACMG/AMP sequence variant interpretation guidelines (Richards et al. 2015 PMID: 25741868, with internal and published modifications).